The following is an entry in ClinVar:

NM_022124.6(CDH23):c.6352A>G (p.Ile2118Val)

Gene: CDH23 (cadherin related 23; plus strand). Cytogenetic location: 10q22.1.
Variant type: single nucleotide variant.
Coding change: c.6352A>G on transcript NM_022124.6 (MANE Select); coding-DNA position 6352, A replaced by G.
Protein change: p.Ile2118Val; replaces isoleucine 2118 with valine.
Molecular consequence: missense variant.
Genome position (GRCh38, 1-based): chr10:71,793,280, A>G. VCF-style: chr10-71793280-A-G. GRCh37 (hg19) VCF-style: chr10-73553037-A-G.
Other names: short protein forms I2118V.
Identifiers: ClinVar variation 2153297 (VCV002153297.1), dbSNP rs1841311861, ClinGen allele CA377154498.

ClinVar aggregate classification (germline): Uncertain significance (1 of 4 stars; one submission).

Allele frequency attached by ClinVar (database versions not stated): gnomAD 0.00001; TOPMed 0.00001.
gnomAD v4.1: 13 of 1,613,862 alleles (0.00081%); highest among the groups gnomAD compares: Non-Finnish European, 0.0011%; no homozygotes.

Submission:

Labcorp Genetics (formerly Invitae), Labcorp
Classification: Uncertain significance. Last evaluated: 2022-03-05. Review status: criteria provided, single submitter. Criteria: Invitae Variant Classification Sherloc (09022015). Collection method: clinical testing. Allele origin: germline.
Comment: This sequence change replaces isoleucine, which is neutral and non-polar, with valine, which is neutral and non-polar, at codon 2118 of the CDH23 protein (p.Ile2118Val). This variant is not present in population databases (gnomAD no frequency). This variant has not been reported in the literature in individuals affected with CDH23-related conditions. Algorithms developed to predict the effect of missense changes on protein structure and function are either unavailable or do not agree on the potential impact of this missense change (SIFT: "Deleterious"; PolyPhen-2: "Not Available"; Align-GVGD: "Class C25"). In summary, the available evidence is currently insufficient to determine the role of this variant in disease. Therefore, it has been classified as a Variant of Uncertain Significance.